The following is an entry in ClinVar:

NM_001252102.2(KIF21B):c.2485A>G (p.Met829Val)

Gene: KIF21B (kinesin family member 21B; minus strand). Cytogenetic location: 1q32.1.
Variant type: single nucleotide variant.
Coding change: c.2485A>G on transcript NM_001252102.2 (MANE Select); coding-DNA position 2485, A replaced by G.
Protein change: p.Met829Val; replaces methionine 829 with valine.
Molecular consequence: missense variant.
Genome position (GRCh38, 1-based): chr1:200,991,119, T>C on the plus strand (A>G on the coding strand, the complement: KIF21B is on the minus strand). VCF-style: chr1-200991119-T-C. GRCh37 (hg19) VCF-style: chr1-200960247-T-C.
Other names: c.2485A>G, p.Met829Val (NM_001252100.2, NM_001252103.2, NM_017596.4); short protein forms M829V.
Identifiers: ClinVar variation 4538860 (VCV004538860.1).
Genomic context (GRCh38, chr1:200,991,119, plus strand): 5'-CAGCCCCAGAGTCCAGCATGGGTGGCTTTAGTCCTGCACGCCCTGCCACCCGCTCAGACA[T>C]GGGCTTGGCCAGGCGCCTCAGTGCAGAAACCTGGGGCAGCAGGGAGAAAAGAGGGAGCCG-3'
Protein context (NP_001239031.1, residues 819-839): VSALRRLAKP[Met829Val]SERVAGRAGL

ClinVar aggregate classification (germline): Uncertain significance (1 of 4 stars; one submission).

gnomAD v4.1: 4 of 1,613,538 alleles (0.00025%); highest among the groups gnomAD compares: African/African-American, 0.0013%; no homozygotes.

Submission:

GeneDx
Classification: Uncertain significance. Last evaluated: 2025-06-18. Review status: criteria provided, single submitter. Criteria: GeneDx Variant Classification Process June 2021. Collection method: clinical testing. Allele origin: germline. Affected: yes.
Comment: Has not been previously published as pathogenic or benign to our knowledge; Not observed at significant frequency in large population cohorts (gnomAD); In silico analysis suggests that this missense variant does not alter protein structure/function